The following is an entry in ClinVar:

NM_004984.4(KIF5A):c.754G>C (p.Ala252Pro)

Gene: KIF5A (kinesin family member 5A; plus strand). Cytogenetic location: 12q13.3.
Variant type: single nucleotide variant.
Coding change: c.754G>C on transcript NM_004984.4 (MANE Select); coding-DNA position 754, G replaced by C.
Protein change: p.Ala252Pro; replaces alanine 252 with proline.
Molecular consequence: missense variant.
Genome position (GRCh38, 1-based): chr12:57,569,002, G>C. VCF-style: chr12-57569002-G-C. GRCh37 (hg19) VCF-style: chr12-57962785-G-C.
Other names: c.487G>C, p.Ala163Pro (NM_001354705.2); short protein forms A163P, A252P.
Identifiers: ClinVar variation 2837961 (VCV002837961.3), dbSNP rs1191735053, ClinGen allele CA385499989.

ClinVar aggregate classification (germline): Uncertain significance (1 of 4 stars; one submission).

Conditions:
Spastic paraplegia. Identifiers: MedGen C0037772, HP:0001258.

Submission:

Labcorp Genetics (formerly Invitae), Labcorp
Classification: Uncertain significance for Spastic paraplegia. Last evaluated: 2023-02-16. Review status: criteria provided, single submitter. Criteria: Invitae Variant Classification Sherloc (09022015). Collection method: clinical testing. Allele origin: germline.
Comment: In summary, the available evidence is currently insufficient to determine the role of this variant in disease. Therefore, it has been classified as a Variant of Uncertain Significance. Advanced modeling of protein sequence and biophysical properties (such as structural, functional, and spatial information, amino acid conservation, physicochemical variation, residue mobility, and thermodynamic stability) has been performed at Invitae for this missense variant, however the output from this modeling did not meet the statistical confidence thresholds required to predict the impact of this variant on KIF5A protein function. This sequence change replaces alanine, which is neutral and non-polar, with proline, which is neutral and non-polar, at codon 252 of the KIF5A protein (p.Ala252Pro). This variant is not present in population databases (gnomAD no frequency). This variant has not been reported in the literature in individuals affected with KIF5A-related conditions.